The following is an entry in ClinVar:

NM_138477.4(CDAN1):c.1273C>G (p.Pro425Ala)

Gene: CDAN1 (codanin 1; minus strand). Cytogenetic location: 15q15.2.
Variant type: single nucleotide variant.
Coding change: c.1273C>G on transcript NM_138477.4 (MANE Select); coding-DNA position 1273, C replaced by G.
Protein change: p.Pro425Ala; replaces proline 425 with alanine.
Molecular consequence: missense variant.
Genome position (GRCh38, 1-based): chr15:42,734,032, G>C on the plus strand (C>G on the coding strand, the complement: CDAN1 is on the minus strand). VCF-style: chr15-42734032-G-C. GRCh37 (hg19) VCF-style: chr15-43026230-G-C.
Other names: short protein forms P425A.
Identifiers: ClinVar variation 1163374 (VCV001163374.12), dbSNP rs191247450, ClinGen allele CA7516111.

ClinVar aggregate classification (germline): Uncertain significance. Review status: criteria provided, multiple submitters, no conflicts (2 of 4 stars). 4 submissions from 4 submitters: Uncertain significance (4). Last evaluated 2025-12-10.

Conditions:
Anemia, congenital dyserythropoietic, type 1a (CDAN1A). Also called: DYSERYTHROPOIETIC ANEMIA, CONGENITAL, TYPE Ia; CDAN1-Related Congenital Dyserythropoietic Anemia. Identifiers: MedGen C5574667, MONDO:0009135, OMIM 224120.
Inborn genetic diseases. Identifiers: MedGen C0950123, MeSH D030342.

Allele frequency attached by ClinVar (database versions not stated): gnomAD 0.00001; gnomAD exomes 0.00002 and 0.00009; TOPMed 0.00004; ExAC 0.00012; 1000 Genomes Project 0.00020; 1000 Genomes Project 30x 0.00031.

Submissions (4):

Labcorp Genetics (formerly Invitae), Labcorp
Classification: Uncertain significance. Last evaluated: 2025-12-10. Review status: criteria provided, single submitter. Criteria: Invitae Variant Classification Sherloc (09022015). Collection method: clinical testing. Allele origin: germline.
Comment: This sequence change replaces proline, which is neutral and non-polar, with alanine, which is neutral and non-polar, at codon 425 of the CDAN1 protein (p.Pro425Ala). This variant is present in population databases (rs191247450, gnomAD 0.07%). This variant has not been reported in the literature in individuals affected with CDAN1-related conditions. ClinVar contains an entry for this variant (Variation ID: 1163374). An algorithm developed to predict the effect of missense changes on protein structure and function (PolyPhen-2) suggests that this variant is likely to be tolerated. In summary, the available evidence is currently insufficient to determine the role of this variant in disease. Therefore, it has been classified as a Variant of Uncertain Significance.

Ambry Genetics
Classification: Uncertain significance for Inborn genetic diseases. Last evaluated: 2024-09-27. Review status: criteria provided, single submitter. Criteria: Ambry Variant Classification Scheme 2023. Collection method: clinical testing. Allele origin: germline.

Revvity Omics, Revvity
Classification: Uncertain significance for Anemia, congenital dyserythropoietic, type 1a. Last evaluated: 2021-11-12. Review status: criteria provided, single submitter. Criteria: ACMG Guidelines, 2015. Collection method: clinical testing. Allele origin: germline.

Mayo Clinic Laboratories, Mayo Clinic
Classification: Uncertain significance. Last evaluated: 2020-05-13. Review status: criteria provided, single submitter. Criteria: ACMG Guidelines, 2015. Collection method: clinical testing. Allele origin: germline. Observed: 2 variant alleles.